The following is an entry in ClinVar:

NM_000282.4(PCCA):c.458C>A (p.Ala153Asp)

Gene: PCCA (propionyl-CoA carboxylase subunit alpha; plus strand). Cytogenetic location: 13q32.3.
Variant type: single nucleotide variant.
Coding change: c.458C>A on transcript NM_000282.4 (MANE Select); coding-DNA position 458, C replaced by A.
Protein change: p.Ala153Asp; replaces alanine 153 with aspartic acid.
Molecular consequence: missense variant. On other transcripts: 5 prime UTR variant (3), non-coding transcript variant (5).
Genome position (GRCh38, 1-based): chr13:100,157,330, C>A. VCF-style: chr13-100157330-C-A. GRCh37 (hg19) VCF-style: chr13-100809584-C-A.
Other names: c.380C>A, p.Ala127Asp (NM_001127692.3, NM_001352607.2, NM_001352608.2); c.458C>A, p.Ala153Asp (NM_001178004.2, NM_001352605.2, NM_001352606.2 and 1 more transcripts); c.-409C>A (NM_001352610.2, NM_001352611.2, NM_001352612.2); short protein forms A153D, A127D.
Identifiers: ClinVar variation 2804915 (VCV002804915.3), dbSNP rs2542895444, ClinGen allele CA388693905.

ClinVar aggregate classification (germline): Uncertain significance (1 of 4 stars; one submission).

Conditions:
Propionic acidemia (PROP). Also called: GLYCINEMIA, KETOTIC; HYPERGLYCINEMIA WITH KETOACIDOSIS AND LEUKOPENIA; KETOTIC HYPERGLYCINEMIA. Identifiers: Orphanet 35, MedGen C0268579, MONDO:0011628, OMIM 606054, HP:0003571.

gnomAD v4.1: 1 of 1,608,642 alleles (0.000062%); highest among the groups gnomAD compares: Non-Finnish European, 0.000085%; no homozygotes.

Submission:

Labcorp Genetics (formerly Invitae), Labcorp
Classification: Uncertain significance for Propionic acidemia. Last evaluated: 2023-09-30. Review status: criteria provided, single submitter. Criteria: Invitae Variant Classification Sherloc (09022015). Collection method: clinical testing. Allele origin: germline.
Comment: In summary, the available evidence is currently insufficient to determine the role of this variant in disease. Therefore, it has been classified as a Variant of Uncertain Significance. Advanced modeling of protein sequence and biophysical properties (such as structural, functional, and spatial information, amino acid conservation, physicochemical variation, residue mobility, and thermodynamic stability) has been performed at Invitae for this missense variant, however the output from this modeling did not meet the statistical confidence thresholds required to predict the impact of this variant on PCCA protein function. This variant has not been reported in the literature in individuals affected with PCCA-related conditions. This variant is not present in population databases (gnomAD no frequency). This sequence change replaces alanine, which is neutral and non-polar, with aspartic acid, which is acidic and polar, at codon 153 of the PCCA protein (p.Ala153Asp).